The following is an entry in ClinVar:

ClinVar aggregate classification (germline): Conflicting classifications of pathogenicity. Review status: criteria provided, conflicting classifications (1 of 4 stars). 2 submissions from 2 submitters: Likely pathogenic (1); Uncertain significance (1). Last evaluated 2026-06-28.

Conditions:
C3 glomerulonephritis. Also called: C3 GLOMERULOPATHY 3; Nephropathy due to CFHR5 Deficiency. Identifiers: Orphanet 329931, MedGen C4055342, MONDO:0013892, OMIM 614809.

Submissions (2):

Clinical Research Development Center, Iran University of Medical Sciences (IUMS)
Classification: Likely pathogenic for C3 glomerulonephritis. Last evaluated: 2026-06-28. Review status: criteria provided, single submitter. Criteria: ACMG Guidelines, 2015. Collection method: clinical testing. Allele origin: germline. Inheritance: Autosomal dominant inheritance. Affected: yes. Observed: 1 variant allele, 1 heterozygote.
Comment: The c.1511_1513delinsAA variant in CFHR5 gene was absent from large population studies (PM2). It is a null variant in a gene where loss of function is a known mechanism of disease; so, it results in an absent or disrupted protein product (PVS1).

Blueprint Genetics
Classification: Uncertain significance. Last evaluated: 2024-03-26. Review status: criteria provided, single submitter. Criteria: ACMG Guidelines, 2015. Collection method: clinical testing. Allele origin: germline.

Literature cited by the submitters: PubMed 38558633 (cited by Clinical Research Development Center, Iran University of Medical Sciences (IUMS)).

NM_030787.4(CFHR5):c.1511_1513delinsAA (p.Leu504fs)

Gene: CFHR5 (complement factor H related 5; plus strand). Cytogenetic location: 1q31.3.
Variant type: Indel.
Coding change: c.1511_1513delinsAA on transcript NM_030787.4 (MANE Select); coding-DNA positions 1511 to 1513, TAG replaced by AA.
Protein change: p.Leu504fs; shifts the reading frame from leucine 504.
Molecular consequence: frameshift variant.
Genome position (GRCh38, 1-based): chr1:197,004,841-197,004,843, TAG replaced by AA. VCF-style: chr1-197004841-TAG-AA. GRCh37 (hg19) VCF-style: chr1-196973971-TAG-AA.
Other names: short protein forms L504fs.
Identifiers: ClinVar variation 4857337 (VCV004857337.2).